The following is an entry in ClinVar:

NM_000179.3(MSH6):c.857A>C (p.Glu286Ala)

Gene: MSH6 (mutS homolog 6; plus strand). Cytogenetic location: 2p16.3.
Variant type: single nucleotide variant.
Coding change: c.857A>C on transcript NM_000179.3 (MANE Select); coding-DNA position 857, A replaced by C.
Protein change: p.Glu286Ala; replaces glutamic acid 286 with alanine.
Molecular consequence: missense variant. On other transcripts: 5 prime UTR variant (2).
Genome position (GRCh38, 1-based): chr2:47,798,840, A>C. VCF-style: chr2-47798840-A-C. GRCh37 (hg19) VCF-style: chr2-48025979-A-C.
Other names: c.467A>C, p.Glu156Ala (NM_001281492.2); c.-50A>C (NM_001281493.2, NM_001281494.2); short protein forms E156A, E286A.
Identifiers: ClinVar variation 1057249 (VCV001057249.10), dbSNP rs2104301989, ClinGen allele CA346740580.

ClinVar aggregate classification (germline): Uncertain significance (1 of 4 stars; one submission).

Conditions:
Hereditary nonpolyposis colorectal neoplasms. Identifiers: MedGen C0009405, MeSH D003123.

Submission:

Labcorp Genetics (formerly Invitae), Labcorp
Classification: Uncertain significance for Hereditary nonpolyposis colorectal neoplasms. Last evaluated: 2020-02-05. Review status: criteria provided, single submitter. Criteria: Invitae Variant Classification Sherloc (09022015). Collection method: clinical testing. Allele origin: germline.
Comment: In summary, the available evidence is currently insufficient to determine the role of this variant in disease. Therefore, it has been classified as a Variant of Uncertain Significance. Algorithms developed to predict the effect of missense changes on protein structure and function (SIFT, PolyPhen-2, Align-GVGD) all suggest that this variant is likely to be tolerated, but these predictions have not been confirmed by published functional studies and their clinical significance is uncertain. This variant has not been reported in the literature in individuals with MSH6-related conditions. This variant is not present in population databases (ExAC no frequency). This sequence change replaces glutamic acid with alanine at codon 286 of the MSH6 protein (p.Glu286Ala). The glutamic acid residue is weakly conserved and there is a moderate physicochemical difference between glutamic acid and alanine.